The following is an entry in ClinVar:

NM_001166108.2(PALLD):c.1965-12637C>A

Gene: PALLD (palladin, cytoskeletal associated protein; plus strand). Cytogenetic location: 4q32.3.
Variant type: single nucleotide variant.
Coding change: c.1965-12637C>A on transcript NM_001166108.2 (MANE Select); 12637 bases into the intron before coding-DNA position 1965, C replaced by A.
Molecular consequence: intron variant. On other transcripts: missense variant (1).
Genome position (GRCh38, 1-based): chr4:168,878,285, C>A. VCF-style: chr4-168878285-C-A. GRCh37 (hg19) VCF-style: chr4-169799436-C-A.
Other names: c.394C>A (NM_001166110.1); c.394C>A, p.Arg132Ser (NM_001166110.2); c.1965-12637C>A (NM_016081.4); c.819-12637C>A (NM_001166109.2); c.-157-12637C>A (NM_001367570.1, NM_001367568.1, NM_001367567.1 and 1 more transcripts); short protein forms R132S.
Identifiers: ClinVar variation 2080406 (VCV002080406.5), dbSNP rs878854264, ClinGen allele CA358796587.

ClinVar aggregate classification (germline): Uncertain significance. Review status: criteria provided, multiple submitters, no conflicts (2 of 4 stars). 2 submissions from 2 submitters: Uncertain significance (2). Last evaluated 2025-01-09.

Conditions:
Pancreatic adenocarcinoma. Identifiers: MedGen C0281361, MONDO:0006047, HP:0006725.

gnomAD v4.1: 2 of 1,527,146 alleles (0.00013%); highest among the groups gnomAD compares: Admixed American, 0.002%; no homozygotes.

Submissions (2):

Ambry Genetics
Classification: Uncertain significance. Last evaluated: 2025-01-09. Review status: criteria provided, single submitter. Criteria: Ambry Variant Classification Scheme 2023. Collection method: clinical testing. Allele origin: germline.
Comment: The p.R132S variant (also known as c.394C>A), located in coding exon 1 of the PALLD gene, results from a C to A substitution at nucleotide position 394. The arginine at codon 132 is replaced by serine, an amino acid with dissimilar properties. This amino acid position is conserved. In addition, this alteration is predicted to be tolerated by in silico analysis. Based on the available evidence, the clinical significance of this variant remains unclear.

Labcorp Genetics (formerly Invitae), Labcorp
Classification: Uncertain significance for Pancreatic adenocarcinoma. Last evaluated: 2022-06-13. Review status: criteria provided, single submitter. Criteria: Invitae Variant Classification Sherloc (09022015). Collection method: clinical testing. Allele origin: germline.
Comment: In summary, the available evidence is currently insufficient to determine the role of this variant in disease. Therefore, it has been classified as a Variant of Uncertain Significance. Algorithms developed to predict the effect of missense changes on protein structure and function (SIFT, PolyPhen-2, Align-GVGD) all suggest that this variant is likely to be tolerated. This variant has not been reported in the literature in individuals affected with PALLD-related conditions. This variant is not present in population databases (gnomAD no frequency). This sequence change replaces arginine, which is basic and polar, with serine, which is neutral and polar, at codon 132 of the PALLD protein (p.Arg132Ser).